The following is an entry in ClinVar:

ClinVar aggregate classification (germline): conflicting data from submitters (0 of 4 stars; one submission).

Submission:

ISCA site 1
Classification: conflicting data from submitters. Last evaluated: 2014-08-22. Review status: no assertion criteria provided. Collection method: clinical testing. Allele origin: unknown, paternal. Affected: yes. Observed: 4 variant alleles. Clinical features observed: Low-set ears (HP:0000369), Talipes equinovarus (HP:0001762), Abnormality of limb bone morphology (HP:0002813), Bilateral single transverse palmar creases (HP:0007598), Hydrocephalus (HP:0000238), Abnormality of the corpus callosum (HP:0001273), Interrupted aortic arch (HP:0011611), Cleft palate (HP:0000175), Cleft upper lip (HP:0000204), Panhypopituitarism (HP:0000871), Craniosynostosis (HP:0001363), Ventricular septal defect (HP:0001629), and 7 more.
Comment: Uncertain significance(2), Likely benign (2)

Copy number variation identified through the course of routine clinical cytogenomic testing in postnatal populations, with clinical assertions as classified by the original submitter. For data from the original published study, Kaminsky, et al. 2011 (PubMed 21844811), please see nstd101.

GRCh38/hg38 1p36.32(chr1:2688448-3286320)x3

Genes: ACTRT2 (actin related protein T2; plus strand), MIR4251 (microRNA 4251; plus strand), PRDM16 (PR/SET domain 16; plus strand), PRDM16-DT (PRDM16 divergent transcript; minus strand), TTC34 (tetratricopeptide repeat domain 34; minus strand) and 11 more. Cytogenetic location: 1p36.32.
Variant type: copy number gain.
Change: copy number 3 (three copies instead of two) of chr1:2,688,448-3,286,320 (597.9 kb, GRCh38 coordinates, 1-based), cytogenetic band 1p36.32.
Identifiers: ClinVar variation 153267 (VCV000153267.2).